The following is an entry in ClinVar:

ClinVar aggregate classification (germline): Uncertain significance (1 of 4 stars; one submission).

Conditions:
NCOA1-related disorder. Also called: NCOA1-related condition.

Submission:

PreventionGenetics, part of Exact Sciences
Classification: Uncertain significance for NCOA1-related condition. Last evaluated: 2025-06-20. Review status: criteria provided, single submitter. Criteria: ACMG Guidelines, 2015. Collection method: clinical testing. Allele origin: germline.
Comment: The NCOA1 c.236T>C variant is predicted to result in the amino acid substitution p.Leu79Pro. To our knowledge, this variant has not been reported in the literature or in a large population database (gnomAD), indicating this variant is rare. At this time, the clinical significance of this variant is uncertain due to the absence of conclusive functional and genetic evidence.

NM_003743.5(NCOA1):c.236T>C (p.Leu79Pro)

Gene: NCOA1 (nuclear receptor coactivator 1; plus strand). Cytogenetic location: 2p23.3.
Variant type: single nucleotide variant.
Coding change: c.236T>C on transcript NM_003743.5 (MANE Select); coding-DNA position 236, T replaced by C.
Protein change: p.Leu79Pro; replaces leucine 79 with proline.
Molecular consequence: missense variant.
Genome position (GRCh38, 1-based): chr2:24,665,895, T>C. VCF-style: chr2-24665895-T-C. GRCh37 (hg19) VCF-style: chr2-24888764-T-C.
Other names: c.236T>C, p.Leu79Pro (NM_001362950.1, NM_001362952.1, NM_001362954.1 and 3 more transcripts); short protein forms L79P.
Identifiers: ClinVar variation 4983091 (VCV004983091.1).